The following is an entry in ClinVar:

ClinVar aggregate classification (germline): Uncertain significance (1 of 4 stars; one submission).

Conditions:
Hereditary cancer-predisposing syndrome. Also called: Hereditary neoplastic syndrome; Neoplastic Syndromes, Hereditary; Tumor predisposition; Hereditary Cancer Syndrome. Identifiers: Orphanet 140162, MedGen C0027672, MeSH D009386, MONDO:0015356.

Submission:

Ambry Genetics
Classification: Uncertain significance for Hereditary cancer-predisposing syndrome. Last evaluated: 2025-08-24. Review status: criteria provided, single submitter. Criteria: Ambry Variant Classification Scheme 2023. Collection method: clinical testing. Allele origin: germline.
Comment: The p.K732N variant (also known as c.2196G>T), located in coding exon 20 of the POLE gene, results from a G to T substitution at nucleotide position 2196. The lysine at codon 732 is replaced by asparagine, an amino acid with similar properties. This amino acid position is conserved. In addition, this alteration is predicted to be tolerated by in silico analysis. Based on the available evidence, the clinical significance of this variant remains unclear.

NM_006231.4(POLE):c.2196G>T (p.Lys732Asn)

Gene: POLE (DNA polymerase epsilon, catalytic subunit; minus strand). Cytogenetic location: 12q24.33.
Variant type: single nucleotide variant.
Coding change: c.2196G>T on transcript NM_006231.4 (MANE Select); coding-DNA position 2196, G replaced by T.
Protein change: p.Lys732Asn; replaces lysine 732 with asparagine.
Molecular consequence: missense variant.
Genome position (GRCh38, 1-based): chr12:132,667,626, C>A on the plus strand (G>T on the coding strand, the complement: POLE is on the minus strand). VCF-style: chr12-132667626-C-A. GRCh37 (hg19) VCF-style: chr12-133244212-C-A.
Other names: short protein forms K732N.
Identifiers: ClinVar variation 4141224 (VCV004141224.1).